The following is an entry in ClinVar:

NM_000051.4(ATM):c.-30-15G>A

Gene: ATM (ATM serine/threonine kinase; plus strand). Cytogenetic location: 11q22.3.
Variant type: single nucleotide variant.
Coding change: c.-30-15G>A on transcript NM_000051.4 (MANE Select); 15 bases into the intron before 30 bases upstream of the start codon, G replaced by A.
Molecular consequence: intron variant.
Genome position (GRCh38, 1-based): chr11:108,227,580, G>A. VCF-style: chr11-108227580-G-A. GRCh37 (hg19) VCF-style: chr11-108098307-G-A.
Other names: c.-30-15G>A (NM_001351834.2, NM_001351835.2, NM_001351836.2).
Identifiers: ClinVar variation 393076 (VCV000393076.1), dbSNP rs776227873, ClinGen allele CA6264488.

ClinVar aggregate classification (germline): Likely benign (1 of 4 stars; one submission).

Allele frequency attached by ClinVar (database versions not stated): gnomAD exomes below 0.00001 and 0.00001; ExAC 0.00001.
gnomAD v4.1: 4 of 1,497,746 alleles (0.00027%); highest among the groups gnomAD compares: East Asian, 0.0068%; no homozygotes.

Submission:

GeneDx
Classification: Likely benign. Last evaluated: 2017-01-17. Review status: criteria provided, single submitter. Criteria: GeneDx Variant Classification (06012015). Collection method: clinical testing. Allele origin: germline. Affected: yes.
Comment: This variant is considered likely benign or benign based on one or more of the following criteria: it is a conservative change, it occurs at a poorly conserved position in the protein, it is predicted to be benign by multiple in silico algorithms, and/or has population frequency not consistent with disease.